The following is an entry in ClinVar:

NM_000152.5(GAA):c.1540G>C (p.Gly514Arg)

Gene: GAA (alpha glucosidase; plus strand). Cytogenetic location: 17q25.3.
Variant type: single nucleotide variant.
Coding change: c.1540G>C on transcript NM_000152.5 (MANE Select); coding-DNA position 1540, G replaced by C.
Protein change: p.Gly514Arg; replaces glycine 514 with arginine.
Molecular consequence: missense variant.
Genome position (GRCh38, 1-based): chr17:80,110,829, G>C. VCF-style: chr17-80110829-G-C. GRCh37 (hg19) VCF-style: chr17-78084628-G-C.
Other names: c.1540G>C, p.Gly514Arg (NM_001079803.3, NM_001079804.3, NM_001406741.1 and 1 more transcripts); short protein forms G514R.
Identifiers: ClinVar variation 4876514 (VCV004876514.1).
Genomic context (GRCh38, chr17:80,110,829, plus strand): 5'-ACAGCCCTGGCCTGGTGGGAGGACATGGTGGCTGAGTTCCATGACCAGGTGCCCTTCGAC[G>C]GCATGTGGATTGTAAGTGTGGCCCCCTCCTGAGCATCCCCAAGGCCTCTGGGGACTACCC-3'
Protein context (NP_000143.2, residues 504-524): AEFHDQVPFD[Gly514Arg]MWIDMNEPSN

ClinVar aggregate classification (germline): Uncertain significance (1 of 4 stars; one submission).

Conditions:
Glycogen storage disease, type II (IOPD). Also called: Pompe Disease; CARDIOMEGALIA GLYCOGENICA DIFFUSA; GLYCOGENOSIS, GENERALIZED, CARDIAC FORM; GSD II; POMPE DISEASE, INFANTILE-ONSET; GLYCOGEN STORAGE DISEASE II, INFANTILE-ONSET. Identifiers: Orphanet 365, MedGen C0017921, MONDO:0009290, OMIM 232300.

Submission:

Genomenon, Inc
Classification: Uncertain significance for Glycogen storage disease, type II. Last evaluated: 2026-07-01. Review status: criteria provided, single submitter. Criteria: Genomenon Sequence Variant Interpretation Standards - Updated. Collection method: curation. Allele origin: germline. Affected: yes.
Comment: GAA p.Gly514Arg (c.1540G>C) is a missense variant that changes the amino acid at codon 514 from Glycine to Arginine. This variant has been observed in at least one proband with a GAA-related disorder in the compound heterozygous and/or homozygous state (PMID:17723315). It is absent or not present at a significant frequency in gnomAD. In silico models predict that this variant is possibly or probably damaging. In conclusion, we classify GAA p.Gly514Arg (c.1540G>C) as a variant of uncertain significance.

Literature cited by the submitters: PubMed 17723315.